The following is an entry in ClinVar:

ClinVar aggregate classification (germline): Uncertain significance (1 of 4 stars; one submission).

Conditions:
Lymphatic malformation 6 (LMPHM6). Also called: GENERALIZED LYMPHATIC DYSPLASIA OF FOTIOU; Lymphedema, hereditary, III; PIEZO1-related generalized lymphatic dysplasia with non-immune hydrops fetalis. Identifiers: Orphanet 568062, MedGen C4225184, MONDO:0014797, OMIM 616843.

gnomAD v4.1: 1 of 1,550,068 alleles (0.000065%); highest among the groups gnomAD compares: Non-Finnish European, 0.000087%; no homozygotes.

Submission:

Dasa
Classification: Uncertain significance for Lymphatic malformation 6. Last evaluated: 2024-03-01. Review status: criteria provided, single submitter. Criteria: DASA Assertion Criteria. Collection method: clinical testing. Allele origin: germline.
Comment: NM_001142864.4(PIEZO1):c.6734G>C (p.Arg2245Pro) is a missense variant that results in the substitution of arginine with proline. This variant is rare in population databases. Computational prediction algorithms are consistent with a benign effect. The currently available literature and clinical evidence are not sufficient to establish a definitive association between this variant and the reported condition. Therefore, this variant is classified as a variant of uncertain significance.

NM_001142864.4(PIEZO1):c.6734G>C (p.Arg2245Pro)

Gene: PIEZO1 (piezo type mechanosensitive ion channel component 1 (Er blood group); minus strand). Cytogenetic location: 16q24.3.
Variant type: single nucleotide variant.
Coding change: c.6734G>C on transcript NM_001142864.4 (MANE Select); coding-DNA position 6734, G replaced by C.
Protein change: p.Arg2245Pro; replaces arginine 2245 with proline.
Molecular consequence: missense variant.
Genome position (GRCh38, 1-based): chr16:88,716,825, C>G on the plus strand (G>C on the coding strand, the complement: PIEZO1 is on the minus strand). VCF-style: chr16-88716825-C-G. GRCh37 (hg19) VCF-style: chr16-88783233-C-G.
Other names: short protein forms R2245P.
Identifiers: ClinVar variation 4883200 (VCV004883200.2).
Genomic context (GRCh38, chr16:88,716,825, plus strand): 5'-CGCCTCCCCACACCAGCTTTCACAGGGCAGAGGCCACTTACCGGCTGGGGGTCAAACTGC[C>G]GGGACAGCTCCTCATAGGCCTGGGCCGTGAAGGGGATGATGGACGGCTGCTGGGCGCTCA-3'
Protein context (NP_001136336.2, residues 2235-2255): FTAQAYEELS[Arg2245Pro]QFDPQPLAMQ